The following is an entry in ClinVar:

ClinVar aggregate classification (germline): Likely benign (1 of 4 stars; one submission).

Conditions:
MYO7A-related disorder. Also called: MYO7A-related disorders.

Submission:

PreventionGenetics, part of Exact Sciences
Classification: Likely benign for MYO7A-related condition. Last evaluated: 2026-09-23. Review status: criteria provided, single submitter. Criteria: ACMG Guidelines, 2015. Collection method: clinical testing. Allele origin: germline.
Comment: This variant is classified as likely benign based on ACMG/AMP sequence variant interpretation guidelines (Richards et al. 2015 PMID: 25741868, with internal and published modifications).

NM_000260.4(MYO7A):c.3925-26_3925-6dup

Gene: MYO7A (myosin VIIA; plus strand). Cytogenetic location: 11q13.5.
Variant type: Duplication.
Coding change: c.3925-26_3925-6dup on transcript NM_000260.4 (MANE Select); 26 bases into the intron before coding-DNA position 3925 through 6 bases into the intron before coding-DNA position 3925, 21 bases duplicated (TGCTCCCCTCCCCTCTGTGCC).
Molecular consequence: intron variant.
Genome position (GRCh38, 1-based): chr11:77,192,025-77,192,045, TGCTCCCCTCCCCTCTGTGCC duplicated; duplicating any 21 consecutive bases within chr11:77,192,016-77,192,045 gives the same sequence; the c. name uses the placement nearest the transcript's 3' end. VCF-style (leftmost placement, unchanged base first): chr11-77192015-A-ACTCTGTGCCTGCTCCCCTCCC. GRCh37 (hg19) VCF-style: chr11-76903060-A-ACTCTGTGCCTGCTCCCCTCCC.
Other names: c.3892-26_3892-6dup (NM_001369365.1); c.3925-26_3925-6dup (NM_001127180.2).
Identifiers: ClinVar variation 4978422 (VCV004978422.1).
Genomic context (GRCh38, chr11:77,192,015, plus strand): 5'-CTCCGTTTTCTGTCTGAACTGACCGTTGGCCCCGTTGAGGCTCCTCATAGTCCTTCCCTG[A>ACTCTGTGCCTGCTCCCCTCCC]CTCTGTGCCTGCTCCCCTCCCCTCTGTGCCCACAGGTGTCCTCCCTGGGCAGCGGCAGTG-3'